The following is an entry in ClinVar:

ClinVar aggregate classification (germline): Likely benign. Review status: criteria provided, multiple submitters, no conflicts (2 of 4 stars). 3 submissions from 3 submitters: Likely benign (3). Last evaluated 2022-05-21.

Conditions:
Inborn genetic diseases. Identifiers: MedGen C0950123, MeSH D030342.
Charcot-Marie-Tooth disease dominant intermediate B (CMTDIB). Also called: Charcot-Marie-Tooth disease dominant intermediate 1; CMT DI1; Charcot-Marie-Tooth disease dominant intermediate I; CHARCOT-MARIE-TOOTH NEUROPATHY, DOMINANT INTERMEDIATE B. Identifiers: Orphanet 100044, Orphanet 228179, MedGen C1847902, MONDO:0011674, OMIM 606482.

Allele frequency attached by ClinVar (database versions not stated): gnomAD 0.00001; gnomAD exomes 0.00001; ExAC 0.00002.
gnomAD v4.1: 6 of 1,614,040 alleles (0.00037%); highest among the groups gnomAD compares: African/African-American, 0.0013%; no homozygotes.

Submissions (3):

Labcorp Genetics (formerly Invitae), Labcorp
Classification: Likely benign for Charcot-Marie-Tooth disease dominant intermediate B. Last evaluated: 2022-05-21. Review status: criteria provided, single submitter. Criteria: Invitae Variant Classification Sherloc (09022015). Collection method: clinical testing. Allele origin: germline.

Ambry Genetics
Classification: Likely benign for Inborn genetic diseases. Last evaluated: 2019-07-11. Review status: criteria provided, single submitter. Criteria: Ambry Variant Classification Scheme 2023. Collection method: clinical testing. Allele origin: germline.

GeneDx
Classification: Likely benign. Last evaluated: 2017-02-21. Review status: criteria provided, single submitter. Criteria: GeneDx Variant Classification (06012015). Collection method: clinical testing. Allele origin: germline. Affected: yes.
Comment: This variant is considered likely benign or benign based on one or more of the following criteria: it is a conservative change, it occurs at a poorly conserved position in the protein, it is predicted to be benign by multiple in silico algorithms, and/or has population frequency not consistent with disease.

NM_001005361.3(DNM2):c.402C>T (p.Leu134=)

Gene: DNM2 (dynamin 2; plus strand). Cytogenetic location: 19p13.2.
Variant type: single nucleotide variant.
Coding change: c.402C>T on transcript NM_001005361.3 (MANE Select); coding-DNA position 402, C replaced by T.
Protein change: p.Leu134=; no amino-acid change (leucine 134 retained).
Molecular consequence: synonymous variant.
Genome position (GRCh38, 1-based): chr19:10,775,719, C>T. VCF-style: chr19-10775719-C-T. GRCh37 (hg19) VCF-style: chr19-10886395-C-T.
Other names: c.402C>T, p.Leu134= (NM_001005360.3, NM_001005362.3, NM_001190716.2 and 1 more transcripts).
Identifiers: ClinVar variation 507156 (VCV000507156.7), dbSNP rs748069348, ClinGen allele CA9200795.